The following is an entry in ClinVar:

NM_152384.3(BBS5):c.920A>G (p.Asn307Ser)

Gene: BBS5 (Bardet-Biedl syndrome 5; plus strand). Cytogenetic location: 2q31.1.
Variant type: single nucleotide variant.
Coding change: c.920A>G on transcript NM_152384.3 (MANE Select); coding-DNA position 920, A replaced by G.
Protein change: p.Asn307Ser; replaces asparagine 307 with serine.
Molecular consequence: missense variant.
Genome position (GRCh38, 1-based): chr2:169,504,322, A>G. VCF-style: chr2-169504322-A-G. GRCh37 (hg19) VCF-style: chr2-170360832-A-G.
Other names: short protein forms N307S.
Identifiers: ClinVar variation 4995160 (VCV004995160.1).

ClinVar aggregate classification (germline): Uncertain significance (1 of 4 stars; one submission).

Conditions:
BBS5-related disorder. Also called: BBS5-related condition.

gnomAD v4.1: 2 of 1,613,076 alleles (0.00012%); highest among the groups gnomAD compares: Non-Finnish European, 0.00017%; no homozygotes.

Submission:

PreventionGenetics, part of Exact Sciences
Classification: Uncertain significance for BBS5-related condition. Last evaluated: 2026-07-15. Review status: criteria provided, single submitter. Criteria: ACMG Guidelines, 2015. Collection method: clinical testing. Allele origin: germline.
Comment: The BBS5 c.920A>G variant is predicted to result in the amino acid substitution p.Asn307Ser. To our knowledge, this variant has not been reported in the literature or in a large population database (gnomAD), indicating this variant is rare. At this time, the clinical significance of this variant is uncertain due to the absence of conclusive functional and genetic evidence.